The following is an entry in ClinVar:

ClinVar aggregate classification (germline): Conflicting classifications of pathogenicity. Review status: criteria provided, conflicting classifications (1 of 4 stars). 2 submissions from 2 submitters: Likely pathogenic (1); Uncertain significance (1). Last evaluated 2023-01-15.

Submissions (2):

Labcorp Genetics (formerly Invitae), Labcorp
Classification: Uncertain significance. Last evaluated: 2023-01-15. Review status: criteria provided, single submitter. Criteria: Invitae Variant Classification Sherloc (09022015). Collection method: clinical testing. Allele origin: germline.
Comment: This sequence change replaces proline, which is neutral and non-polar, with serine, which is neutral and polar, at codon 907 of the KMT2A protein (p.Pro907Ser). In summary, the available evidence is currently insufficient to determine the role of this variant in disease. Therefore, it has been classified as a Variant of Uncertain Significance. Advanced modeling of protein sequence and biophysical properties (such as structural, functional, and spatial information, amino acid conservation, physicochemical variation, residue mobility, and thermodynamic stability) performed at Invitae indicates that this missense variant is not expected to disrupt KMT2A protein function. ClinVar contains an entry for this variant (Variation ID: 424591). This variant has not been reported in the literature in individuals affected with KMT2A-related conditions. This variant is not present in population databases (gnomAD no frequency).

GeneDx
Classification: Likely pathogenic. Last evaluated: 2017-03-30. Review status: criteria provided, single submitter. Criteria: GeneDx Variant Classification (06012015). Collection method: clinical testing. Allele origin: germline. Affected: yes.
Comment: The P907S variant in the KMT2A gene has not been reported previously as a pathogenic variant, nor as a benign variant, to our knowledge. The P907S variant is not observed in large population cohorts (Lek et al., 2016; 1000 Genomes Consortium et al., 2015; Exome Variant Server). The P907S variant is a non-conservative amino acid substitution, which is likely to impact secondary protein structure as these residues differ in polarity, charge, size and/or other properties. However, this substitution occurs at a position that is not conserved and in silico analysis is inconsistent in its predictions as to whether or not the variant is damaging to the protein structure/function. The P907S variant is a strong candidate for a pathogenic variant.

NM_001197104.2(KMT2A):c.2719C>T (p.Pro907Ser)

Gene: KMT2A (lysine methyltransferase 2A; plus strand). Cytogenetic location: 11q23.3.
Variant type: single nucleotide variant.
Coding change: c.2719C>T on transcript NM_001197104.2 (MANE Select); coding-DNA position 2719, C replaced by T.
Protein change: p.Pro907Ser; replaces proline 907 with serine.
Molecular consequence: missense variant.
Genome position (GRCh38, 1-based): chr11:118,473,878, C>T. VCF-style: chr11-118473878-C-T. GRCh37 (hg19) VCF-style: chr11-118344593-C-T.
Other names: c.2719C>T, p.Pro907Ser (NM_005933.4); short protein forms P907S.
Identifiers: ClinVar variation 424591 (VCV000424591.5), dbSNP rs1064797056, ClinGen allele CA16619275.